The following is an entry in ClinVar:

NM_020320.5(RARS2):c.1306-8C>T

Gene: RARS2 (arginyl-tRNA synthetase 2, mitochondrial; minus strand). Cytogenetic location: 6q15.
Variant type: single nucleotide variant.
Coding change: c.1306-8C>T on transcript NM_020320.5 (MANE Select); 8 bases into the intron before coding-DNA position 1306, C replaced by T.
Molecular consequence: intron variant.
Genome position (GRCh38, 1-based): chr6:87,518,747, G>A on the plus strand (C>T on the coding strand, the complement: RARS2 is on the minus strand). VCF-style: chr6-87518747-G-A. GRCh37 (hg19) VCF-style: chr6-88228465-G-A.
Other names: c.1306-8C>T (NM_001350505.2, NM_020320.4); c.781-8C>T (NM_001350509.2, NM_001318785.2, NM_001350506.2 and 4 more transcripts).
Identifiers: ClinVar variation 737185 (VCV000737185.16), dbSNP rs375589432, ClinGen allele CA3916320.

ClinVar aggregate classification (germline): Conflicting classifications of pathogenicity. Review status: criteria provided, conflicting classifications (1 of 4 stars). 3 submissions from 3 submitters: Uncertain significance (1); Likely benign (1). 1 of the submissions does not count toward it. Last evaluated 2025-12-30.

Conditions:
Pontocerebellar hypoplasia type 6 (PCH6). Identifiers: Orphanet 166073, MedGen C1969084, MONDO:0012683, OMIM 611523.
RARS2-related disorder. Also called: RARS2-related condition.

Allele frequency attached by ClinVar (database versions not stated): ExAC 0.00007; ESP Exome Variant Server 0.00008; TOPMed 0.00008; gnomAD 0.00010.
gnomAD v4.1: 278 of 1,612,956 alleles (0.017%); highest among the groups gnomAD compares: Non-Finnish European, 0.022%; 1 homozygote.

Submissions (3):

Labcorp Genetics (formerly Invitae), Labcorp
Classification: Likely benign. Last evaluated: 2025-12-30. Review status: criteria provided, single submitter. Criteria: Invitae Variant Classification Sherloc (09022015). Collection method: clinical testing. Allele origin: germline.

Illumina Laboratory Services, Illumina
Classification: Uncertain significance for Pontocerebellar hypoplasia type 6. Last evaluated: 2018-01-13. Review status: criteria provided, single submitter. Criteria: ICSL Variant Classification Criteria 13 December 2019. Collection method: clinical testing. Allele origin: germline.

PreventionGenetics, part of Exact Sciences
Classification: Likely benign for RARS2-related condition. Last evaluated: 2021-02-23. Review status: no assertion criteria provided. Collection method: clinical testing. Allele origin: germline. Not counted in ClinVar's aggregate classification.
Comment: This variant is classified as likely benign based on ACMG/AMP sequence variant interpretation guidelines (Richards et al. 2015 PMID: 25741868, with internal and published modifications).